The following is an entry in ClinVar:

ClinVar aggregate classification (germline): Uncertain significance (1 of 4 stars; one submission).

Conditions:
Cardiovascular phenotype. Identifiers: MedGen CN230736.

gnomAD v4.1: 13 of 1,613,046 alleles (0.00081%); highest among the groups gnomAD compares: Non-Finnish European, 0.001%; no homozygotes.

Submission:

Ambry Genetics
Classification: Uncertain significance for Cardiovascular phenotype. Last evaluated: 2025-07-28. Review status: criteria provided, single submitter. Criteria: Ambry Variant Classification Scheme 2023. Collection method: clinical testing. Allele origin: germline.
Comment: The c.9433+5G>A intronic variant results from a G to A substitution 5 nucleotides after coding exon 26 in the TNXB gene. This nucleotide position is highly conserved in available vertebrate species. In silico splice site analysis predicts that this alteration may weaken the native splice donor site and may result in the creation or strengthening of a novel splice donor site. Based on the available evidence, the clinical significance of this variant remains unclear.

NM_001365276.2(TNXB):c.9439+5G>A

Gene: TNXB (tenascin XB; minus strand). Cytogenetic location: 6p21.33.
Variant type: single nucleotide variant.
Coding change: c.9439+5G>A on transcript NM_001365276.2 (MANE Select); 5 bases into the intron after coding-DNA position 9439, G replaced by A.
Molecular consequence: intron variant.
Genome position (GRCh38, 1-based): chr6:32,049,993, C>T on the plus strand (G>A on the coding strand, the complement: TNXB is on the minus strand). VCF-style: chr6-32049993-C-T. GRCh37 (hg19) VCF-style: chr6-32017770-C-T.
Other names: c.9433+5G>A (NM_019105.8); c.10180+5G>A (NM_001428335.1).
Identifiers: ClinVar variation 4188658 (VCV004188658.1).